The following is an entry in ClinVar:

ClinVar aggregate classification (germline): Uncertain significance (1 of 4 stars; one submission).

gnomAD v4.1: 2 of 1,614,196 alleles (0.00012%); highest among the groups gnomAD compares: Admixed American, 0.0017%; no homozygotes.

Submission:

Labcorp Genetics (formerly Invitae), Labcorp
Classification: Uncertain significance. Last evaluated: 2022-11-08. Review status: criteria provided, single submitter. Criteria: Invitae Variant Classification Sherloc (09022015). Collection method: clinical testing. Allele origin: germline.
Comment: In summary, the available evidence is currently insufficient to determine the role of this variant in disease. Therefore, it has been classified as a Variant of Uncertain Significance. This sequence change replaces aspartic acid, which is acidic and polar, with asparagine, which is neutral and polar, at codon 636 of the IMPG2 protein (p.Asp636Asn). This variant is not present in population databases (gnomAD no frequency). This variant has not been reported in the literature in individuals affected with IMPG2-related conditions. Advanced modeling of protein sequence and biophysical properties (such as structural, functional, and spatial information, amino acid conservation, physicochemical variation, residue mobility, and thermodynamic stability) performed at Invitae indicates that this missense variant is not expected to disrupt IMPG2 protein function.

NM_016247.4(IMPG2):c.1906G>A (p.Asp636Asn)

Gene: IMPG2 (interphotoreceptor matrix proteoglycan 2; minus strand). Cytogenetic location: 3q12.3.
Variant type: single nucleotide variant.
Coding change: c.1906G>A on transcript NM_016247.4 (MANE Select); coding-DNA position 1906, G replaced by A.
Protein change: p.Asp636Asn; replaces aspartic acid 636 with asparagine.
Molecular consequence: missense variant.
Genome position (GRCh38, 1-based): chr3:101,244,425, C>T on the plus strand (G>A on the coding strand, the complement: IMPG2 is on the minus strand). VCF-style: chr3-101244425-C-T. GRCh37 (hg19) VCF-style: chr3-100963269-C-T.
Other names: short protein forms D636N.
Identifiers: ClinVar variation 2097776 (VCV002097776.4), dbSNP rs898999014, ClinGen allele CA79723484.